The following is an entry in ClinVar:

ClinVar aggregate classification (germline): Pathogenic (0 of 4 stars; one submission).

Submission:

GenMed Metabolism Lab
Classification: Pathogenic. Review status: no assertion criteria provided. Collection method: not provided. Allele origin: unknown.
Comment: p.Val142Glu, Late
ClinVar note: Converted during submission from pathogenic to Pathogenic.

NM_000531.6(OTC):c.425T>A (p.Val142Glu)

Gene: OTC (ornithine transcarbamylase; plus strand). Cytogenetic location: Xp11.4.
Variant type: single nucleotide variant.
Coding change: c.425T>A on transcript NM_000531.6 (MANE Select); coding-DNA position 425, T replaced by A.
Protein change: p.Val142Glu; replaces valine 142 with glutamic acid.
Molecular consequence: missense variant.
Genome position (GRCh38, 1-based): chrX:38,401,313, T>A. VCF-style: chrX-38401313-T-A. GRCh37 (hg19) VCF-style: chrX-38260566-T-A.
Other names: short protein forms V142E.
Identifiers: ClinVar variation 97199 (VCV000097199.2), dbSNP rs72556261, ClinGen allele CA224602.
Genomic context (GRCh38, chrX:38,401,313, plus strand): 5'-TCTTTTTCTTGGTTTGCCACAGTGTATTGTCTAGCATGGCAGATGCAGTATTGGCTCGAG[T>A]GTATAAACAATCAGATTTGGACACCCTGGCTAAAGAAGCATCCATCCCAATTATCAATGG-3'
Protein context (NP_000522.3, residues 132-152): SSMADAVLAR[Val142Glu]YKQSDLDTLA